The following is an entry in ClinVar:

ClinVar aggregate classification (germline): Pathogenic (1 of 4 stars; one submission).

Conditions:
Renal tubulopathies.

Submission:

Genetics Laboratory, Great Ormond Street Hospital NHS Foundation Trust, North Thames Genomic Laboratory Hub
Classification: Pathogenic for Renal tubulopathies. Last evaluated: 2025-12-16. Review status: criteria provided, single submitter. Criteria: ACGS Best Practice Guidelines for Variant Classification in Rare Disease 2024 v1.2. Collection method: clinical testing. Allele origin: germline. Affected: yes.
Comment: PM2_moderate, PVS1_very-strong, PM3_supporting, PP4_supporting

NM_001126108.2(SLC12A3):c.493del (p.Gln165fs)

Gene: SLC12A3 (solute carrier family 12 member 3; plus strand). Cytogenetic location: 16q13.
Variant type: Deletion.
Coding change: c.493del on transcript NM_001126108.2 (MANE Select); coding-DNA position 493, one base deleted (C; older notation c.493delC).
Protein change: p.Gln165fs; shifts the reading frame from glutamine 165.
Molecular consequence: frameshift variant.
Genome position (GRCh38, 1-based): chr16:56,868,360, C deleted; the last of 3 consecutive C bases (chr16:56,868,358-56,868,360); deleting any one gives the same sequence. VCF-style (leftmost placement, unchanged base first): chr16-56868357-GC-G. GRCh37 (hg19) VCF-style: chr16-56902269-GC-G.
Other names: c.493del, p.Gln165fs (NM_000339.3); c.490del, p.Gln164fs (NM_001126107.2, NM_001410896.1); short protein forms Q164fs, Q165fs.
Identifiers: ClinVar variation 4782313 (VCV004782313.1).